The following is an entry in ClinVar:

NM_000553.6(WRN):c.3785_3786del (p.Thr1262fs)

Gene: WRN (WRN RecQ like helicase; plus strand). Cytogenetic location: 8p12.
Variant type: Microsatellite.
Coding change: c.3785_3786del on transcript NM_000553.6 (MANE Select); coding-DNA positions 3785 to 3786, 2 bases deleted (CA; older notation c.3785_3786delCA).
Protein change: p.Thr1262fs; shifts the reading frame from threonine 1262.
Molecular consequence: frameshift variant.
Genome position (GRCh38, 1-based): chr8:31,154,721-31,154,722, CA deleted; deleting any 2 consecutive bases within chr8:31,154,719-31,154,722 gives the same sequence; the c. name uses the placement nearest the transcript's 3' end. VCF-style (leftmost placement, unchanged base first): chr8-31154718-TCA-T. GRCh37 (hg19) VCF-style: chr8-31012234-TCA-T.
Other names: short protein forms T1262fs.
Identifiers: ClinVar variation 2025059 (VCV002025059.4), dbSNP rs2536056771, ClinGen allele CA2580614326.
Genomic context (GRCh38, chr8:31,154,718, plus strand): 5'-AACAGAAGACGAGTCTGGTAGCAAAAAATAAAATATGCACACTTTCACAGTCTATGGCCA[TCA>T]CATACTCTTTATTCCAAGAAAAGAAGATGCCTTTGGTAAGTGTGACTTTCATGTTACAGG-3'

ClinVar aggregate classification (germline): Pathogenic (1 of 4 stars; one submission).

Conditions:
Werner syndrome (WRN). Identifiers: Orphanet 902, MedGen C0043119, MONDO:0010196, OMIM 277700.

Submission:

Labcorp Genetics (formerly Invitae), Labcorp
Classification: Pathogenic for Werner syndrome. Last evaluated: 2022-08-19. Review status: criteria provided, single submitter. Criteria: Invitae Variant Classification Sherloc (09022015). Collection method: clinical testing. Allele origin: germline.
Comment: This variant is not present in population databases (gnomAD no frequency). This sequence change creates a premature translational stop signal (p.Thr1262Ilefs*16) in the WRN gene. It is expected to result in an absent or disrupted protein product. Loss-of-function variants in WRN are known to be pathogenic (PMID: 16673358). This variant has not been reported in the literature in individuals affected with WRN-related conditions. For these reasons, this variant has been classified as Pathogenic.

Literature cited by the submitters: PubMed 16673358.